The following is an entry in ClinVar:

NM_145059.3(FCSK):c.1462G>A (p.Ala488Thr)

Gene: FCSK (fucose kinase; plus strand). Cytogenetic location: 16q22.1.
Variant type: single nucleotide variant.
Coding change: c.1462G>A on transcript NM_145059.3 (MANE Select); coding-DNA position 1462, G replaced by A.
Protein change: p.Ala488Thr; replaces alanine 488 with threonine.
Molecular consequence: missense variant.
Genome position (GRCh38, 1-based): chr16:70,473,038, G>A. VCF-style: chr16-70473038-G-A. GRCh37 (hg19) VCF-style: chr16-70506941-G-A.
Other names: short protein forms A488T.
Identifiers: ClinVar variation 4024309 (VCV004024309.2).
Genomic context (GRCh38, chr16:70,473,038, plus strand): 5'-ATCAGAGCCTGGGACCTGTGGGACCCTGAGACGCTGCCCGCAGAGTACTGCCTTCCCAGC[G>A]CCCGCCTCTTTCCTGTGCTCCACCCCTCGAGGGAGCTGGGACCCCAGGACCTGCTGTGGA-3'
Protein context (NP_659496.2, residues 478-498): TLPAEYCLPS[Ala488Thr]RLFPVLHPSR

ClinVar aggregate classification (germline): Uncertain significance. Review status: criteria provided, multiple submitters, no conflicts (2 of 4 stars). 2 submissions from 2 submitters: Uncertain significance (2). Last evaluated 2025-11-06.

gnomAD v4.1: 51 of 1,589,804 alleles (0.0032%); highest among the groups gnomAD compares: East Asian, 0.025%; no homozygotes.

Submissions (2):

Labcorp Genetics (formerly Invitae), Labcorp
Classification: Uncertain significance. Last evaluated: 2025-11-06. Review status: criteria provided, single submitter. Criteria: Invitae Variant Classification Sherloc (09022015). Collection method: clinical testing. Allele origin: germline.
Comment: This sequence change replaces alanine, which is neutral and non-polar, with threonine, which is neutral and polar, at codon 488 of the FUK protein (p.Ala488Thr). This variant is present in population databases (rs771639927, gnomAD 0.06%). This variant has not been reported in the literature in individuals affected with FUK-related conditions. ClinVar contains an entry for this variant (Variation ID: 4024309). An algorithm developed to predict the effect of missense changes on protein structure and function (PolyPhen-2) suggests that this variant is likely to be disruptive. In summary, the available evidence is currently insufficient to determine the role of this variant in disease. Therefore, it has been classified as a Variant of Uncertain Significance.

Ambry Genetics
Classification: Uncertain significance. Last evaluated: 2025-05-06. Review status: criteria provided, single submitter. Criteria: Ambry Variant Classification Scheme 2023. Collection method: clinical testing. Allele origin: germline.